The following is an entry in ClinVar:

NM_001378454.1(ALMS1):c.4459A>G (p.Lys1487Glu)

Gene: ALMS1 (ALMS1 centrosome and basal body associated protein; plus strand). Cytogenetic location: 2p13.1.
Variant type: single nucleotide variant.
Coding change: c.4459A>G on transcript NM_001378454.1 (MANE Select); coding-DNA position 4459, A replaced by G.
Protein change: p.Lys1487Glu; replaces lysine 1487 with glutamic acid.
Molecular consequence: missense variant.
Genome position (GRCh38, 1-based): chr2:73,450,986, A>G. VCF-style: chr2-73450986-A-G. GRCh37 (hg19) VCF-style: chr2-73678113-A-G.
Other names: c.4462A>G, p.Lys1488Glu (NM_015120.4); short protein forms K1487E, K1488E.
Identifiers: ClinVar variation 1986248 (VCV001986248.5), dbSNP rs867170002, ClinGen allele CA347278577.
Genomic context (GRCh38, chr2:73,450,986, plus strand): 5'-GGCACACCAACTGTAACCTCCCCTTCCAGCTCATTTGGAGAGAAGCCCATTGTTATCTAC[A>G]AACAGGCCTTTCCAGAGGGTCATCTACCTGAAGAGTCTCTGAAAGTTTCAGTTGCTCCTG-3'
Protein context (NP_001365383.1, residues 1477-1497): SFGEKPIVIY[Lys1487Glu]QAFPEGHLPE

ClinVar aggregate classification (germline): Conflicting classifications of pathogenicity. Review status: criteria provided, conflicting classifications (1 of 4 stars). 3 submissions from 3 submitters: Uncertain significance (2); Likely benign (1). Last evaluated 2025-10-30.

Conditions:
Alstrom syndrome (ALMS). Identifiers: Orphanet 64, MedGen C0268425, MONDO:0008763, OMIM 203800.
Cardiovascular phenotype. Identifiers: MedGen CN230736.

Allele frequency attached by ClinVar (database versions not stated): gnomAD exomes below 0.00001.
gnomAD v4.1: 1 of 1,613,096 alleles (0.000062%); highest among the groups gnomAD compares: Admixed American, 0.0017%; no homozygotes.

Submissions (3):

Ambry Genetics
Classification: Likely benign for Cardiovascular phenotype. Last evaluated: 2025-10-30. Review status: criteria provided, single submitter. Criteria: Ambry Variant Classification Scheme 2023. Collection method: clinical testing. Allele origin: germline.

GeneDx
Classification: Uncertain significance. Last evaluated: 2025-07-28. Review status: criteria provided, single submitter. Criteria: GeneDx Variant Classification Process June 2021. Collection method: clinical testing. Allele origin: germline. Affected: yes.
Comment: Not observed at significant frequency in large population cohorts (gnomAD); Has not been previously published as pathogenic or benign to our knowledge; In silico analysis does not support a benign or deleterious effect of this variant on protein structure/function

Labcorp Genetics (formerly Invitae), Labcorp
Classification: Uncertain significance for Alstrom syndrome. Last evaluated: 2022-04-15. Review status: criteria provided, single submitter. Criteria: Invitae Variant Classification Sherloc (09022015). Collection method: clinical testing. Allele origin: germline.
Comment: In summary, the available evidence is currently insufficient to determine the role of this variant in disease. Therefore, it has been classified as a Variant of Uncertain Significance. Experimental studies and prediction algorithms are not available or were not evaluated, and the functional significance of this variant is currently unknown. This variant has not been reported in the literature in individuals affected with ALMS1-related conditions. This variant is present in population databases (no rsID available, gnomAD 0.003%). This sequence change replaces lysine, which is basic and polar, with glutamic acid, which is acidic and polar, at codon 1488 of the ALMS1 protein (p.Lys1488Glu).